The following is an entry in ClinVar:

ClinVar aggregate classification (germline): Uncertain significance (1 of 4 stars; one submission).

Conditions:
Baller-Gerold syndrome (BGS). Also called: CRANIOSYNOSTOSIS WITH RADIAL DEFECTS. Identifiers: Orphanet 1225, MedGen C0265308, MONDO:0009039, OMIM 218600.

Allele frequency attached by ClinVar (database versions not stated): TOPMed below 0.00001.

Submission:

Labcorp Genetics (formerly Invitae), Labcorp
Classification: Uncertain significance for Baller-Gerold syndrome. Last evaluated: 2022-05-12. Review status: criteria provided, single submitter. Criteria: Invitae Variant Classification Sherloc (09022015). Collection method: clinical testing. Allele origin: germline.
Comment: In summary, the available evidence is currently insufficient to determine the role of this variant in disease. Therefore, it has been classified as a Variant of Uncertain Significance. Experimental studies and prediction algorithms are not available or were not evaluated, and the functional significance of this variant is currently unknown. This variant has not been reported in the literature in individuals affected with RECQL4-related conditions. This variant is not present in population databases (gnomAD no frequency). This sequence change replaces leucine, which is neutral and non-polar, with proline, which is neutral and non-polar, at codon 41 of the RECQL4 protein (p.Leu41Pro).

NM_004260.4(RECQL4):c.122T>C (p.Leu41Pro)

Genes: RECQL4 (RecQ like helicase 4; minus strand), LOC130001411 (ATAC-STARR-seq lymphoblastoid silent region 19699; plus strand). Cytogenetic location: 8q24.3.
Variant type: single nucleotide variant.
Coding change: c.122T>C on transcript NM_004260.4 (MANE Select); coding-DNA position 122, T replaced by C.
Protein change: p.Leu41Pro; replaces leucine 41 with proline.
Molecular consequence: missense variant.
Genome position (GRCh38, 1-based): chr8:144,517,505, A>G on the plus strand (T>C on the coding strand, the complement: RECQL4 is on the minus strand). VCF-style: chr8-144517505-A-G. GRCh37 (hg19) VCF-style: chr8-145742889-A-G.
Other names: c.122T>C, p.Leu41Pro (NM_001413017.1, NM_001413018.1, NM_001413019.1 and 5 more transcripts); c.-599T>C (NM_001413021.1); c.-950T>C (NM_001413022.1, NM_001413023.1, NM_001413037.1 and 2 more transcripts); c.-847T>C (NM_001413024.1, NM_001413035.1); c.-1012T>C (NM_001413027.1, NM_001413030.1, NM_001413031.1 and 1 more transcripts); c.-675T>C (NM_001413028.1); c.-909T>C (NM_001413032.1); c.-854T>C (NM_001413034.1); and 1 more; short protein forms L41P.
Identifiers: ClinVar variation 1993648 (VCV001993648.4), dbSNP rs1259365630, ClinGen allele CA372692798.